The following is an entry in ClinVar:

NM_000059.4(BRCA2):c.2418T>C (p.Asp806=)

Gene: BRCA2 (BRCA2 DNA repair associated; plus strand). Cytogenetic location: 13q13.1.
Variant type: single nucleotide variant.
Coding change: c.2418T>C on transcript NM_000059.4 (MANE Select); coding-DNA position 2418, T replaced by C.
Protein change: p.Asp806=; no amino-acid change (aspartic acid 806 retained).
Molecular consequence: synonymous variant.
Genome position (GRCh38, 1-based): chr13:32,336,773, T>C. VCF-style: chr13-32336773-T-C. GRCh37 (hg19) VCF-style: chr13-32910910-T-C.
Identifiers: ClinVar variation 427372 (VCV000427372.3), dbSNP rs1131692107, ClinGen allele CA483436973.

ClinVar aggregate classification (germline): Likely benign (3 of 4 stars; one submission).

Conditions:
Breast-ovarian cancer, familial, susceptibility to, 2 (BROVCA2). Also called: BRCA2 Hereditary Breast and Ovarian Cancer. Identifiers: Orphanet 145, MedGen C2675520, MONDO:0012933, OMIM 612555. Disease mechanism: loss of function.

Submission:

Evidence-based Network for the Interpretation of Germline Mutant Alleles (ENIGMA)
Classification: Likely benign for Breast-ovarian cancer, familial, susceptibility to, 2. Last evaluated: 2017-06-29. Review status: reviewed by expert panel. Criteria: ENIGMA BRCA1/2 Classification Criteria (2017-06-29). Collection method: curation. Allele origin: germline.
Comment: Synonymous substitution variant, with low bioinformatic likelihood to result in a splicing aberration (Splicing prior probability 0.02).